The following is an entry in ClinVar:

NM_005204.4(MAP3K8):c.770G>A (p.Ser257Asn)

Gene: MAP3K8 (mitogen-activated protein kinase kinase kinase 8; plus strand). Cytogenetic location: 10p11.23.
Variant type: single nucleotide variant.
Coding change: c.770G>A on transcript NM_005204.4 (MANE Select); coding-DNA position 770, G replaced by A.
Protein change: p.Ser257Asn; replaces serine 257 with asparagine.
Molecular consequence: missense variant.
Genome position (GRCh38, 1-based): chr10:30,451,641, G>A. VCF-style: chr10-30451641-G-A. GRCh37 (hg19) VCF-style: chr10-30740570-G-A.
Other names: c.770G>A, p.Ser257Asn (NM_001244134.1, NM_001320961.2); short protein forms S257N.
Identifiers: ClinVar variation 2747277 (VCV002747277.3), dbSNP rs2538563682, ClinGen allele CA376438292.

ClinVar aggregate classification (germline): Uncertain significance (1 of 4 stars; one submission).

gnomAD v4.1: 2 of 1,575,812 alleles (0.00013%); highest among the groups gnomAD compares: South Asian, 0.0012%; no homozygotes.

Submission:

Labcorp Genetics (formerly Invitae), Labcorp
Classification: Uncertain significance. Last evaluated: 2023-11-01. Review status: criteria provided, single submitter. Criteria: Invitae Variant Classification Sherloc (09022015). Collection method: clinical testing. Allele origin: germline.
Comment: This sequence change replaces serine, which is neutral and polar, with asparagine, which is neutral and polar, at codon 257 of the MAP3K8 protein (p.Ser257Asn). This variant is not present in population databases (gnomAD no frequency). This variant has not been reported in the literature in individuals affected with MAP3K8-related conditions. An algorithm developed to predict the effect of missense changes on protein structure and function (PolyPhen-2) suggests that this variant is likely to be disruptive. In summary, the available evidence is currently insufficient to determine the role of this variant in disease. Therefore, it has been classified as a Variant of Uncertain Significance.